The following is an entry in ClinVar:

NM_002485.5(NBN):c.1534G>C (p.Glu512Gln)

Gene: NBN (nibrin; minus strand). Cytogenetic location: 8q21.3.
Variant type: single nucleotide variant.
Coding change: c.1534G>C on transcript NM_002485.5 (MANE Select); coding-DNA position 1534, G replaced by C.
Protein change: p.Glu512Gln; replaces glutamic acid 512 with glutamine.
Molecular consequence: missense variant.
Genome position (GRCh38, 1-based): chr8:89,953,555, C>G on the plus strand (G>C on the coding strand, the complement: NBN is on the minus strand). VCF-style: chr8-89953555-C-G. GRCh37 (hg19) VCF-style: chr8-90965783-C-G.
Other names: c.1288G>C, p.Glu430Gln (NM_001024688.3); short protein forms E512Q, E430Q.
Identifiers: ClinVar variation 461511 (VCV000461511.15), dbSNP rs1554558445, ClinGen allele CA371655649.

ClinVar aggregate classification (germline): Uncertain significance. Review status: criteria provided, multiple submitters, no conflicts (2 of 4 stars). 3 submissions from 3 submitters: Uncertain significance (3). Last evaluated 2021-11-07.

Conditions:
Hereditary cancer-predisposing syndrome. Also called: Hereditary neoplastic syndrome; Neoplastic Syndromes, Hereditary; Tumor predisposition; Hereditary Cancer Syndrome. Identifiers: Orphanet 140162, MedGen C0027672, MeSH D009386, MONDO:0015356.
Microcephaly, normal intelligence and immunodeficiency (NBS). Also called: IMMUNODEFICIENCY, MICROCEPHALY, AND CHROMOSOMAL INSTABILITY; SEEMANOVA SYNDROME II; Nijmegen breakage syndrome; Microcephaly with normal intelligence immunodeficiency and lymphoreticular malignancies; Nonsyndromal microcephaly autosomal recessive with normal intelligence; Seemanova syndrome 2. Identifiers: Orphanet 647, MedGen C0398791, MONDO:0009623, OMIM 251260.

Submissions (3):

Genome-Nilou Lab
Classification: Uncertain significance for Microcephaly, normal intelligence and immunodeficiency. Last evaluated: 2021-11-07. Review status: criteria provided, single submitter. Criteria: ACMG Guidelines, 2015. Collection method: clinical testing. Allele origin: germline. Affected: no.

Labcorp Genetics (formerly Invitae), Labcorp
Classification: Uncertain significance for Microcephaly, normal intelligence and immunodeficiency. Last evaluated: 2020-02-28. Review status: criteria provided, single submitter. Criteria: Invitae Variant Classification Sherloc (09022015). Collection method: clinical testing. Allele origin: germline.
Comment: This sequence change replaces glutamic acid with glutamine at codon 512 of the NBN protein (p.Glu512Gln). The glutamic acid residue is weakly conserved and there is a small physicochemical difference between glutamic acid and glutamine. This variant is not present in population databases (ExAC no frequency). This variant has not been reported in the literature in individuals with a NBN-related disease. Algorithms developed to predict the effect of missense changes on protein structure and function (SIFT, PolyPhen-2, Align-GVGD) all suggest that this variant is likely to be tolerated, but these predictions have not been confirmed by published functional studies and their clinical significance is uncertain. In summary, this variant has uncertain impact on NBN function. The available evidence is currently insufficient to determine its role in disease. Therefore, it has been classified as a Variant of Uncertain Significance.

Ambry Genetics
Classification: Uncertain significance for Hereditary cancer-predisposing syndrome. Last evaluated: 2019-05-23. Review status: criteria provided, single submitter. Criteria: Ambry Variant Classification Scheme 2023. Collection method: clinical testing. Allele origin: germline.
Comment: The p.E512Q variant (also known as c.1534G>C), located in coding exon 11 of the NBN gene, results from a G to C substitution at nucleotide position 1534. The glutamic acid at codon 512 is replaced by glutamine, an amino acid with highly similar properties. This amino acid position is not well conserved in available vertebrate species. In addition, this alteration is predicted to be tolerated by in silico analysis. Since supporting evidence is limited at this time, the clinical significance of this alteration remains unclear.